The following is an entry in ClinVar:

ClinVar aggregate classification (germline): Likely benign. Review status: criteria provided, multiple submitters, no conflicts (2 of 4 stars). 2 submissions from 2 submitters: Likely benign (2). Last evaluated 2025-04-03.

Conditions:
Familial cancer of breast. Also called: Hereditary breast cancer; BREAST CANCER, FAMILIAL; hereditary breast carcinoma. Identifiers: Orphanet 227535, MedGen C0346153, MONDO:0016419, OMIM 114480. Disease mechanism: loss of function.

Submissions (2):

Labcorp Genetics (formerly Invitae), Labcorp
Classification: Likely benign for Familial cancer of breast. Last evaluated: 2025-04-03. Review status: criteria provided, single submitter. Criteria: Invitae Variant Classification Sherloc (09022015). Collection method: clinical testing. Allele origin: germline.

Myriad Genetics, Inc.
Classification: Likely benign for Familial cancer of breast. Last evaluated: 2024-07-18. Review status: criteria provided, single submitter. Criteria: Myriad Autosomal Dominant, Autosomal Recessive and X-Linked Classification Criteria (2023). Collection method: clinical testing. Allele origin: unknown.
Comment: This variant is considered likely benign. This variant is intronic and is not expected to impact mRNA splicing.

NM_000465.4(BARD1):c.159-10C>T

Gene: BARD1 (BRCA1 associated RING domain 1; minus strand). Cytogenetic location: 2q35.
Variant type: single nucleotide variant.
Coding change: c.159-10C>T on transcript NM_000465.4 (MANE Select); 10 bases into the intron before coding-DNA position 159, C replaced by T.
Molecular consequence: intron variant.
Genome position (GRCh38, 1-based): chr2:214,797,127, G>A on the plus strand (C>T on the coding strand, the complement: BARD1 is on the minus strand). VCF-style: chr2-214797127-G-A. GRCh37 (hg19) VCF-style: chr2-215661851-G-A.
Other names: c.158+12285C>T (NM_001282548.2); c.159-4682C>T (NM_001282543.2); c.159-10C>T (NM_001282545.2, NM_001282549.2).
Identifiers: ClinVar variation 1668050 (VCV001668050.10), dbSNP rs1379603657, ClinGen allele CA2573135142.